The following is an entry in ClinVar:

ClinVar aggregate classification (germline): Uncertain significance (1 of 4 stars; one submission).

Allele frequency attached by ClinVar (database versions not stated): gnomAD 0.00001; TOPMed 0.00001; gnomAD exomes 0.00002; ExAC 0.00004.
gnomAD v4.1: 34 of 1,596,484 alleles (0.0021%); highest among the groups gnomAD compares: East Asian, 0.074%; no homozygotes.

Submission:

GeneDx
Classification: Uncertain significance. Last evaluated: 2022-09-07. Review status: criteria provided, single submitter. Criteria: GeneDx Variant Classification Process June 2021. Collection method: clinical testing. Allele origin: germline. Affected: yes.
Comment: In silico analysis supports that this missense variant does not alter protein structure/function; Has not been previously published as pathogenic or benign to our knowledge; This variant is associated with the following publications: (PMID: 27567292)

NM_001009944.3(PKD1):c.7825A>G (p.Ile2609Val)

Gene: PKD1 (polycystin 1, transient receptor potential channel interacting; minus strand). Cytogenetic location: 16p13.3.
Variant type: single nucleotide variant.
Coding change: c.7825A>G on transcript NM_001009944.3 (MANE Select); coding-DNA position 7825, A replaced by G.
Protein change: p.Ile2609Val; replaces isoleucine 2609 with valine.
Molecular consequence: missense variant.
Genome position (GRCh38, 1-based): chr16:2,105,903, T>C on the plus strand (A>G on the coding strand, the complement: PKD1 is on the minus strand). VCF-style: chr16-2105903-T-C. GRCh37 (hg19) VCF-style: chr16-2155904-T-C.
Other names: c.7825A>G, p.Ile2609Val (NM_000296.4); short protein forms I2609V.
Identifiers: ClinVar variation 2443633 (VCV002443633.1), dbSNP rs767709756, ClinGen allele CA7830895.